The following is an entry in ClinVar:

NM_004525.3(LRP2):c.6469G>A (p.Gly2157Arg)

Gene: LRP2 (LDL receptor related protein 2; minus strand). Cytogenetic location: 2q31.1.
Variant type: single nucleotide variant.
Coding change: c.6469G>A on transcript NM_004525.3 (MANE Select); coding-DNA position 6469, G replaced by A.
Protein change: p.Gly2157Arg; replaces glycine 2157 with arginine.
Molecular consequence: missense variant.
Genome position (GRCh38, 1-based): chr2:169,209,453, C>T on the plus strand (G>A on the coding strand, the complement: LRP2 is on the minus strand). VCF-style: chr2-169209453-C-T. GRCh37 (hg19) VCF-style: chr2-170065963-C-T.
Other names: short protein forms G2157R.
Identifiers: ClinVar variation 1345206 (VCV001345206.5), dbSNP rs769830564, ClinGen allele CA1954289.

ClinVar aggregate classification (germline): Uncertain significance (1 of 4 stars; one submission).

Allele frequency attached by ClinVar (database versions not stated): gnomAD 0.00001; TOPMed below 0.00001.
gnomAD v4.1: 9 of 1,613,666 alleles (0.00056%); highest among the groups gnomAD compares: African/African-American, 0.0027%; no homozygotes.

Submission:

Labcorp Genetics (formerly Invitae), Labcorp
Classification: Uncertain significance. Last evaluated: 2021-08-27. Review status: criteria provided, single submitter. Criteria: Invitae Variant Classification Sherloc (09022015). Collection method: clinical testing. Allele origin: germline.
Comment: This sequence change replaces glycine with arginine at codon 2157 of the LRP2 protein (p.Gly2157Arg). The glycine residue is highly conserved and there is a moderate physicochemical difference between glycine and arginine. This variant also falls at the last nucleotide of exon 38, which is part of the consensus splice site for this exon. This variant is present in population databases (rs769830564, ExAC 0.003%). This variant has not been reported in the literature in individuals affected with LRP2-related conditions. Algorithms developed to predict the effect of missense changes on protein structure and function are either unavailable or do not agree on the potential impact of this missense change (SIFT: "Deleterious"; PolyPhen-2: "Benign"; Align-GVGD: "Class C65"). Variants that disrupt the consensus splice site are a relatively common cause of aberrant splicing (PMID: 17576681, 9536098). Algorithms developed to predict the effect of sequence changes on RNA splicing suggest that this variant may disrupt the consensus splice site. In summary, the available evidence is currently insufficient to determine the role of this variant in disease. Therefore, it has been classified as a Variant of Uncertain Significance.

Literature cited by the submitters: PubMed 17576681; PubMed 9536098.